The following is an entry in ClinVar:

NM_003000.3(SDHB):c.286+5G>C

Gene: SDHB (succinate dehydrogenase complex iron sulfur subunit B; minus strand). Cytogenetic location: 1p36.13.
Variant type: single nucleotide variant.
Coding change: c.286+5G>C on transcript NM_003000.3 (MANE Select); 5 bases into the intron after coding-DNA position 286, G replaced by C.
Molecular consequence: intron variant.
Genome position (GRCh38, 1-based): chr1:17,033,055, C>G on the plus strand (G>C on the coding strand, the complement: SDHB is on the minus strand). VCF-style: chr1-17033055-C-G. GRCh37 (hg19) VCF-style: chr1-17359550-C-G.
Identifiers: ClinVar variation 1354104 (VCV001354104.8), dbSNP rs768966871, ClinGen allele CA089565.

ClinVar aggregate classification (germline): Uncertain significance. Review status: criteria provided, multiple submitters, no conflicts (2 of 4 stars). 2 submissions from 2 submitters: Uncertain significance (2). Last evaluated 2022-10-24.

Conditions:
Pheochromocytoma. Also called: MAX-Related Hereditary Paraganglioma-Pheochromocytoma Syndrome. Identifiers: Orphanet 29072, MedGen C0031511, MONDO:0008233, OMIM 171300, HP:0002666.
Gastrointestinal stromal tumor. Also called: Gastrointestinal stromal tumor, somatic; Gastrointestinal stroma tumor. Identifiers: Orphanet 44890, MedGen C0238198, MeSH D046152, MONDO:0011719, OMIM 606764, HP:0100723.
Pheochromocytoma/paraganglioma syndrome 4. Also called: CAROTID BODY TUMORS AND MULTIPLE EXTRAADRENAL PHEOCHROMOCYTOMAS; PARAGANGLIOMA, FAMILIAL MALIGNANT; PARAGANGLIOMAS, HEREDITARY EXTRAADRENAL; PHEOCHROMOCYTOMA, FAMILIAL EXTRAADRENAL; Paragangliomas 4; SDHB-Related Hereditary Paraganglioma-Pheochromocytoma Syndrome (Paragangliomas 4). Identifiers: Orphanet 29072, MedGen C1861848, MONDO:0007273, OMIM 115310.
Hereditary cancer-predisposing syndrome. Also called: Tumor predisposition; Neoplastic Syndromes, Hereditary; Hereditary Cancer Syndrome; Hereditary neoplastic syndrome. Identifiers: Orphanet 140162, MedGen C0027672, MeSH D009386, MONDO:0015356.

Allele frequency attached by ClinVar (database versions not stated): ExAC 0.00001; gnomAD exomes below 0.00001.
gnomAD v4.1: 1 of 1,610,488 alleles (0.000062%); highest among the groups gnomAD compares: Admixed American, 0.0017%; no homozygotes.

Submissions (2):

Ambry Genetics
Classification: Uncertain significance for Hereditary cancer-predisposing syndrome. Last evaluated: 2022-10-24. Review status: criteria provided, single submitter. Criteria: Ambry Variant Classification Scheme 2023. Collection method: clinical testing. Allele origin: germline.
Comment: The c.286+5G>C intronic variant results from a G to C substitution 5 nucleotides after coding exon 3 in the SDHB gene. This nucleotide position is highly conserved in available vertebrate species. In silico splice site analysis predicts that this alteration will weaken the native splice donor site; however, direct evidence is insufficient at this time (Ambry internal data). Since supporting evidence is limited at this time, the clinical significance of this alteration remains unclear.

Labcorp Genetics (formerly Invitae), Labcorp
Classification: Uncertain significance for Gastrointestinal stromal tumor; Pheochromocytoma/paraganglioma syndrome 4; Pheochromocytoma. Last evaluated: 2021-09-21. Review status: criteria provided, single submitter. Criteria: Invitae Variant Classification Sherloc (09022015). Collection method: clinical testing. Allele origin: germline.
Comment: In summary, the available evidence is currently insufficient to determine the role of this variant in disease. Therefore, it has been classified as a Variant of Uncertain Significance. Variants that disrupt the consensus splice site are a relatively common cause of aberrant splicing (PMID: 17576681, 9536098). Algorithms developed to predict the effect of sequence changes on RNA splicing suggest that this variant may disrupt the consensus splice site. This variant has not been reported in the literature in individuals affected with SDHB-related conditions. This variant is present in population databases (rs768966871, ExAC 0.009%). This sequence change falls in intron 3 of the SDHB gene. It does not directly change the encoded amino acid sequence of the SDHB protein. It affects a nucleotide within the consensus splice site of the intron.

Literature cited by the submitters: PubMed 17576681 (cited by Labcorp Genetics (formerly Invitae), Labcorp); PubMed 9536098 (cited by Labcorp Genetics (formerly Invitae), Labcorp).